The following is an entry in ClinVar:

NM_001042492.3(NF1):c.6428-11T>G

Gene: NF1 (neurofibromin 1; plus strand). Cytogenetic location: 17q11.2.
Variant type: single nucleotide variant.
Coding change: c.6428-11T>G on transcript NM_001042492.3 (MANE Select); 11 bases into the intron before coding-DNA position 6428, T replaced by G.
Molecular consequence: intron variant.
Genome position (GRCh38, 1-based): chr17:31,337,357, T>G. VCF-style: chr17-31337357-T-G. GRCh37 (hg19) VCF-style: chr17-29664375-T-G.
Other names: c.6365-11T>G (NM_000267.4).
Identifiers: ClinVar variation 1176684 (VCV001176684.38), dbSNP rs2151555896, ClinGen allele CA2499224189.
Genomic context (GRCh38, chr17:31,337,357, plus strand): 5'-ATGAAACATGGAACTTTAGAAATTAAAAAGTAATATTTTCTGTCTTTACTTGTTCCTTTA[T>G]TCTCTTACAGAAGAGACCAAGCAAGTTTTGAGACTCAGTCTGACAGAGTTCTCATTACCC-3'

ClinVar aggregate classification (germline): Conflicting classifications of pathogenicity. Review status: criteria provided, conflicting classifications (1 of 4 stars). 4 submissions from 4 submitters: Pathogenic (1); Likely pathogenic (2); Uncertain significance (1). Last evaluated 2025-07-30.

Conditions:
Neurofibromatosis, type 1 (NF1). Also called: NEUROFIBROMATOSIS, TYPE I, SOMATIC; VON RECKLINGHAUSEN DISEASE; Neurofibromatosis, type I; Peripheral type neurofibromatosis. Identifiers: Orphanet 636, MedGen C0027831, MONDO:0018975, OMIM 162200. Disease mechanism: loss of function.

Submissions (4):

Labcorp Genetics (formerly Invitae), Labcorp
Classification: Uncertain significance for Neurofibromatosis, type 1. Last evaluated: 2025-07-30. Review status: criteria provided, single submitter. Criteria: Invitae Variant Classification Sherloc (09022015). Collection method: clinical testing. Allele origin: germline.
Comment: This sequence change falls in intron 41 of the NF1 gene. It does not directly change the encoded amino acid sequence of the NF1 protein. This variant is not present in population databases (gnomAD no frequency). This variant has been observed in individual(s) with clinical features of neurofibromatosis type 1 (PMID: 18546366). ClinVar contains an entry for this variant (Variation ID: 1176684). Algorithms developed to predict the effect of sequence changes on RNA splicing suggest that this variant may disrupt the consensus splice site. In summary, the available evidence is currently insufficient to determine the role of this variant in disease. Therefore, it has been classified as a Variant of Uncertain Significance.

3billion
Classification: Pathogenic for Neurofibromatosis, type 1. Last evaluated: 2024-02-18. Review status: criteria provided, single submitter. Criteria: ACMG Guidelines, 2015. Collection method: clinical testing. Allele origin: germline. Affected: yes.
Comment: The variant is not observed in the gnomAD v2.1.1 dataset. Predicted Consequence/Location: Intron variant: previously reported to alter splicing and result in a loss of normal protein fucnction through nonsense-mediated decay (NMD) or protein truncation (PMID: 18546366). In silico tools predict the variant to alter splicing and produce an abnormal transcript [Splice AI: 0.98 (spliceogenicity >=0.2, non-spliceogenicity <0.1)]. Intron variant: previously reported to alter splicing and result in a loss of normal protein fucnction through nonsense-mediated decay (NMD) or protein truncation (PMID: 18546366). Therefore, this variant is classified as Pathogenic according to the recommendation of ACMG/AMP guideline.

CeGaT Center for Human Genetics Tuebingen
Classification: Likely pathogenic. Last evaluated: 2021-05-01. Review status: criteria provided, single submitter. Criteria: CeGaT Center For Human Genetics Tuebingen Variant Classification Criteria Version 2. Collection method: clinical testing. Allele origin: germline. Affected: yes. Observed: 1 variant allele.

Department of Pathology and Laboratory Medicine, Sinai Health System
Classification: Likely pathogenic for neurofibromatosis type 1. Review status: criteria provided, single submitter. Criteria: ACMG Guidelines, 2015. Collection method: clinical testing. Allele origin: germline.

Literature cited by the submitters: PubMed 18546366 (cited by Labcorp Genetics (formerly Invitae), Labcorp and 3billion).